The following is an entry in ClinVar:

NM_002880.4(RAF1):c.748T>C (p.Ser250Pro)

Gene: RAF1 (Raf-1 proto-oncogene, serine/threonine kinase; minus strand). Cytogenetic location: 3p25.2.
Variant type: single nucleotide variant.
Coding change: c.748T>C on transcript NM_002880.4 (MANE Select); coding-DNA position 748, T replaced by C.
Protein change: p.Ser250Pro; replaces serine 250 with proline.
Molecular consequence: missense variant. On other transcripts: non-coding transcript variant (3).
Genome position (GRCh38, 1-based): chr3:12,604,222, A>G on the plus strand (T>C on the coding strand, the complement: RAF1 is on the minus strand). VCF-style: chr3-12604222-A-G. GRCh37 (hg19) VCF-style: chr3-12645721-A-G.
Other names: c.748T>C, p.Ser250Pro (NM_001354689.3, NM_001354690.3); c.505T>C, p.Ser169Pro (NM_001354691.3, NM_001354692.3, NM_001354694.3); c.649T>C, p.Ser217Pro (NM_001354693.3); c.406T>C, p.Ser136Pro (NM_001354695.3); short protein forms S250P, S169P, S217P, S136P.
Identifiers: ClinVar variation 4779944 (VCV004779944.1).

ClinVar aggregate classification (germline): Uncertain significance (1 of 4 stars; one submission).

Conditions:
RASopathy. Also called: Noonan spectrum disorder; rasopathies. Identifiers: Orphanet 536391, MedGen C5555857, MONDO:0021060.

gnomAD v4.1: 1 of 1,614,136 alleles (0.000062%); no homozygotes.

Submission:

Labcorp Genetics (formerly Invitae), Labcorp
Classification: Uncertain significance for RASopathy. Last evaluated: 2025-03-30. Review status: criteria provided, single submitter. Criteria: Invitae Variant Classification Sherloc (09022015). Collection method: clinical testing. Allele origin: germline.
Comment: This sequence change replaces serine, which is neutral and polar, with proline, which is neutral and non-polar, at codon 250 of the RAF1 protein (p.Ser250Pro). This variant is present in population databases (no rsID available, gnomAD no frequency). This variant has not been reported in the literature in individuals affected with RAF1-related conditions. Invitae Evidence Modeling of protein sequence and biophysical properties (such as structural, functional, and spatial information, amino acid conservation, physicochemical variation, residue mobility, and thermodynamic stability) indicates that this missense variant is not expected to disrupt RAF1 protein function with a negative predictive value of 95%. In summary, the available evidence is currently insufficient to determine the role of this variant in disease. Therefore, it has been classified as a Variant of Uncertain Significance.